The following is an entry in ClinVar:

ClinVar aggregate classification (germline): Uncertain significance (1 of 4 stars; one submission).

gnomAD v4.1: 5 of 1,612,772 alleles (0.00031%); highest among the groups gnomAD compares: African/African-American, 0.0027%; no homozygotes.

Submission:

Labcorp Genetics (formerly Invitae), Labcorp
Classification: Uncertain significance. Last evaluated: 2024-08-19. Review status: criteria provided, single submitter. Criteria: Invitae Variant Classification Sherloc (09022015). Collection method: clinical testing. Allele origin: germline.
Comment: This sequence change replaces threonine, which is neutral and polar, with alanine, which is neutral and non-polar, at codon 535 of the FOCAD protein (p.Thr535Ala). This variant is not present in population databases (gnomAD no frequency). This variant has not been reported in the literature in individuals affected with FOCAD-related conditions. Experimental studies and prediction algorithms are not available or were not evaluated, and the functional significance of this variant is currently unknown. In summary, the available evidence is currently insufficient to determine the role of this variant in disease. Therefore, it has been classified as a Variant of Uncertain Significance.

NM_001375567.1(FOCAD):c.1603A>G (p.Thr535Ala)

Gene: FOCAD (focadhesin; plus strand). Cytogenetic location: 9p21.3.
Variant type: single nucleotide variant.
Coding change: c.1603A>G on transcript NM_001375567.1 (MANE Select); coding-DNA position 1603, A replaced by G.
Protein change: p.Thr535Ala; replaces threonine 535 with alanine.
Molecular consequence: missense variant.
Genome position (GRCh38, 1-based): chr9:20,820,366, A>G. VCF-style: chr9-20820366-A-G. GRCh37 (hg19) VCF-style: chr9-20820365-A-G.
Other names: c.1498A>G, p.Thr500Ala (NM_001375568.1, NM_001375570.1); c.1603A>G, p.Thr535Ala (NM_017794.5); short protein forms T500A, T535A.
Identifiers: ClinVar variation 3642882 (VCV003642882.2).